The following is an entry in ClinVar:

ClinVar aggregate classification (germline): Uncertain significance (1 of 4 stars; one submission).

Conditions:
Inborn genetic diseases. Identifiers: MedGen C0950123, MeSH D030342.

Submission:

Ambry Genetics
Classification: Uncertain significance for Inborn genetic diseases. Last evaluated: 2025-08-31. Review status: criteria provided, single submitter. Criteria: Ambry Variant Classification Scheme 2023. Collection method: clinical testing. Allele origin: germline.
Comment: The p.D1250N variant (also known as c.3748G>A), located in coding exon 37 of the FANCA gene, results from a G to A substitution at nucleotide position 3748. The aspartic acid at codon 1250 is replaced by asparagine, an amino acid with highly similar properties. This amino acid position is conserved. In addition, this alteration is predicted to be tolerated by in silico analysis. Based on the available evidence, the clinical significance of this variant remains unclear.

NM_000135.4(FANCA):c.3748G>A (p.Asp1250Asn)

Gene: FANCA (FA complementation group A; minus strand). Cytogenetic location: 16q24.3.
Variant type: single nucleotide variant.
Coding change: c.3748G>A on transcript NM_000135.4 (MANE Select); coding-DNA position 3748, G replaced by A.
Protein change: p.Asp1250Asn; replaces aspartic acid 1250 with asparagine.
Molecular consequence: missense variant.
Genome position (GRCh38, 1-based): chr16:89,742,817, C>T on the plus strand (G>A on the coding strand, the complement: FANCA is on the minus strand). VCF-style: chr16-89742817-C-T. GRCh37 (hg19) VCF-style: chr16-89809225-C-T.
Other names: c.3748G>A, p.Asp1250Asn (NM_001286167.3); short protein forms D1250N.
Identifiers: ClinVar variation 4254322 (VCV004254322.1).